The following is an entry in ClinVar:

ClinVar aggregate classification (germline): Uncertain significance (1 of 4 stars; one submission).

Conditions:
Intellectual developmental disorder, X-linked, syndromic, Hedera type. Also called: Syndromic X-linked intellectual disability Hedera type. Identifiers: Orphanet 93952, MedGen C1845543, MONDO:0010319, OMIM 300423.

Submission:

Labcorp Genetics (formerly Invitae), Labcorp
Classification: Uncertain significance for Intellectual developmental disorder, X-linked, syndromic, Hedera type. Last evaluated: 2023-08-16. Review status: criteria provided, single submitter. Criteria: Invitae Variant Classification Sherloc (09022015). Collection method: clinical testing. Allele origin: germline.
Comment: This sequence change falls in intron 7 of the ATP6AP2 gene. It does not directly change the encoded amino acid sequence of the ATP6AP2 protein. This variant is not present in population databases (gnomAD no frequency). This variant has not been reported in the literature in individuals affected with ATP6AP2-related conditions. Algorithms developed to predict the effect of sequence changes on RNA splicing suggest that this variant may disrupt the consensus splice site. In summary, the available evidence is currently insufficient to determine the role of this variant in disease. Therefore, it has been classified as a Variant of Uncertain Significance.

NM_005765.3(ATP6AP2):c.739-5_739-4del

Gene: ATP6AP2 (ATPase H+ transporting accessory protein 2; plus strand). Cytogenetic location: Xp11.4.
Variant type: Deletion.
Coding change: c.739-5_739-4del on transcript NM_005765.3 (MANE Select); 5 bases into the intron before coding-DNA position 739 through 4 bases into the intron before coding-DNA position 739, 2 bases deleted (TT; older notation c.739-5_739-4delTT).
Molecular consequence: intron variant.
Genome position (GRCh38, 1-based): chrX:40,600,757-40,600,758, TT deleted; deleting any 2 consecutive bases within chrX:40,600,756-40,600,758 gives the same sequence; the c. name uses the placement nearest the transcript's 3' end. VCF-style (leftmost placement, unchanged base first): chrX-40600755-CTT-C. GRCh37 (hg19) VCF-style: chrX-40460007-CTT-C.
Identifiers: ClinVar variation 2752867 (VCV002752867.3), dbSNP rs2518966820, ClinGen allele CA2697553064.